The following is an entry in ClinVar:

ClinVar aggregate classification (germline): Benign. Review status: criteria provided, multiple submitters, no conflicts (2 of 4 stars). 2 submissions from 2 submitters: Benign (2). Last evaluated 2018-06-18.

Allele frequency attached by ClinVar (database versions not stated): gnomAD 0.23493 and 0.24235; TOPMed 0.24517; 1000 Genomes Project 30x 0.34978; 1000 Genomes Project 0.35743.
gnomAD v4.1: 310,749 of 1,388,464 alleles (22%); highest among the groups gnomAD compares: East Asian, 68%; 41,030 homozygotes.

Submissions (2):

GeneDx
Classification: Benign. Last evaluated: 2018-06-18. Review status: criteria provided, single submitter. Criteria: GeneDx Variant Classification (06012015). Collection method: clinical testing. Allele origin: germline. Affected: yes.
Comment: This variant is considered likely benign or benign based on one or more of the following criteria: it is a conservative change, it occurs at a poorly conserved position in the protein, it is predicted to be benign by multiple in silico algorithms, and/or has population frequency not consistent with disease.

Breakthrough Genomics
Classification: Benign. Review status: criteria provided, single submitter. Criteria: ACMG Guidelines, 2015. Collection method: not provided. Allele origin: germline. Inheritance: Autosomal recessive inheritance. Affected: yes.

NM_001267550.2(TTN):c.65275+92C>T

Genes: TTN (titin; minus strand), TTN-AS1 (TTN antisense RNA 1; plus strand). Cytogenetic location: 2q31.2.
Variant type: single nucleotide variant.
Coding change: c.65275+92C>T on transcript NM_001267550.2 (MANE Select); 92 bases into the intron after coding-DNA position 65275, C replaced by T.
Molecular consequence: intron variant.
Genome position (GRCh38, 1-based): chr2:178,584,184, G>A on the plus strand (C>T on the coding strand, the complement: TTN is on the minus strand). VCF-style: chr2-178584184-G-A. GRCh37 (hg19) VCF-style: chr2-179448911-G-A.
Other names: c.38080+92C>T (NM_003319.4); c.38656+92C>T (NM_133437.4); c.38455+92C>T (NM_133432.3); c.57571+92C>T (NM_133378.4); c.60352+92C>T (NM_001256850.1).
Identifiers: ClinVar variation 673094 (VCV000673094.2), dbSNP rs16866400, ClinGen allele CA11325142.
Genomic context (GRCh38, chr2:178,584,184, plus strand): 5'-GTAAGAGATAGAACATATTCTTAAATGGGAGTTGTAATCTTCAGATCTCTACTACTCTCT[G>A]TGTCTTGGAGTCCAAATCTTAGACTCCGAGATTTAAATGTGCCTCCATAATACTAAAACA-3'